The following is an entry in ClinVar:

ClinVar aggregate classification (germline): Uncertain significance (1 of 4 stars; one submission).

Conditions:
Fanconi anemia (FA). Also called: Fanconi's anemia. Identifiers: Orphanet 84, MedGen C0015625, MeSH D005199, MONDO:0019391.

Submission:

Labcorp Genetics (formerly Invitae), Labcorp
Classification: Uncertain significance for Fanconi anemia. Last evaluated: 2023-12-26. Review status: criteria provided, single submitter. Criteria: Invitae Variant Classification Sherloc (09022015). Collection method: clinical testing. Allele origin: germline.
Comment: This sequence change replaces serine, which is neutral and polar, with proline, which is neutral and non-polar, at codon 403 of the SLX4 protein (p.Ser403Pro). This variant is present in population databases (no rsID available, gnomAD 0.008%). This variant has not been reported in the literature in individuals affected with SLX4-related conditions. ClinVar contains an entry for this variant (Variation ID: 2416797). An algorithm developed to predict the effect of missense changes on protein structure and function (PolyPhen-2) suggests that this variant¬†is likely to be tolerated. In summary, the available evidence is currently insufficient to determine the role of this variant in disease. Therefore, it has been classified as a Variant of Uncertain Significance.

NM_032444.4(SLX4):c.1207_1208delinsCC (p.Ser403Pro)

Gene: SLX4 (SLX4 structure-specific endonuclease subunit; minus strand). Cytogenetic location: 16p13.3.
Variant type: Indel.
Coding change: c.1207_1208delinsCC on transcript NM_032444.4 (MANE Select); coding-DNA positions 1207 to 1208, AG replaced by CC.
Protein change: p.Ser403Pro; replaces serine 403 with proline.
Molecular consequence: missense variant.
Genome position (GRCh38, 1-based): chr16:3,597,955-3,597,956, CT replaced by GG on the plus strand (AG replaced by CC on the coding strand, the reverse complement: SLX4 is on the minus strand). VCF-style: chr16-3597955-CT-GG. GRCh37 (hg19) VCF-style: chr16-3647956-CT-GG.
Other names: short protein forms S403P.
Identifiers: ClinVar variation 2416797 (VCV002416797.4), dbSNP rs2548219564, ClinGen allele CA2580091124.
Genomic context (GRCh38, chr16:3,597,955, plus strand): 5'-ACCAGCAGGTCCTCGGACGGTGCCTCGTCCACCTTCCGCCTCTTCCGTGGCTCCTTCTTG[CT>GG]GGTGGGTCCTCTCCGTTTCAGACCTCTACTGTGATCACTGAAGCTAGAAAACAGCCAAAG-3'
Protein context (NP_115820.2, residues 393-413): SRGLKRRGPT[Ser403Pro]KKEPRKRRKV